The following is an entry in ClinVar:

ClinVar aggregate classification (germline): Benign/Likely benign. Review status: criteria provided, multiple submitters, no conflicts (2 of 4 stars). 18 submissions from 18 submitters: Benign (10); Likely benign (1). 7 of the submissions do not count toward it. Last evaluated 2026-02-04.

Conditions:
Hereditary nonpolyposis colorectal neoplasms. Identifiers: MedGen C0009405, MeSH D003123.
Mismatch repair cancer syndrome 4. Identifiers: MedGen C5436817, MONDO:0030843, OMIM 619101.
Lynch syndrome. Identifiers: Orphanet 144, MedGen C4552100, MONDO:0005835. Disease mechanism: loss of function.
Lynch syndrome 4 (LYNCH4). Also called: Colorectal cancer, hereditary nonpolyposis, type 4; Hereditary non-polyposis colorectal cancer, type 4. Identifiers: Orphanet 144, MedGen C1838333, MONDO:0013699, OMIM 614337. Disease mechanism: loss of function.

Allele frequency attached by ClinVar (database versions not stated): TOPMed 0.85886; gnomAD 0.86482 and 0.86499; ESP Exome Variant Server 0.87038; 1000 Genomes Project 30x 0.87976; 1000 Genomes Project 0.88319; gnomAD exomes 0.84078 and 0.84814; ExAC 0.85139.
gnomAD v4.1: 1,369,768 of 1,611,014 alleles (85%); highest among the groups gnomAD compares: East Asian, 93%; 584,176 homozygotes.

Submissions (18):

Labcorp Genetics (formerly Invitae), Labcorp
Classification: Benign for Hereditary nonpolyposis colorectal neoplasms. Last evaluated: 2026-02-04. Review status: criteria provided, single submitter. Criteria: Invitae Variant Classification Sherloc (09022015). Collection method: clinical testing. Allele origin: germline.

GeneKor MSA
Classification: Benign for Lynch syndrome. Last evaluated: 2025-07-10. Review status: criteria provided, single submitter. Criteria: ACMG Guidelines, 2015. Collection method: clinical testing. Allele origin: germline.

Blueprint Genetics
Classification: Likely benign. Last evaluated: 2024-11-27. Review status: criteria provided, single submitter. Criteria: ACMG Guidelines, 2015. Collection method: clinical testing. Allele origin: germline.

All of Us Research Program, National Institutes of Health
Classification: Benign for Lynch syndrome. Last evaluated: 2024-10-03. Review status: criteria provided, single submitter. Criteria: ACMG Guidelines, 2015. Collection method: clinical testing. Allele origin: germline. Inheritance: Autosomal dominant inheritance. Observed: 139,458 variant alleles, 36,561 heterozygotes, 102,865 homozygotes, 32 hemizygotes.
Comment: This study involves interpretation of variants in research participants for the purpose of population health screening. Participant phenotype was not available at the time of variant classification. Additional details can be found in publication PMID: 35346344, PMCID: PMC8962531

KCCC/NGS Laboratory, Kuwait Cancer Control Center
Classification: Benign for Lynch syndrome 4. Last evaluated: 2023-07-07. Review status: criteria provided, single submitter. Criteria: ACMG Guidelines, 2015. Collection method: clinical testing. Allele origin: germline. Affected: yes.

Genome-Nilou Lab
Classification: Benign for Mismatch repair cancer syndrome 4. Last evaluated: 2021-10-25. Review status: criteria provided, single submitter. Criteria: ACMG Guidelines, 2015. Collection method: clinical testing. Allele origin: germline. Affected: no.

Mendelics
Classification: Benign for Lynch syndrome 4. Last evaluated: 2019-05-28. Review status: criteria provided, single submitter. Criteria: Mendelics Assertion Criteria 2017. Collection method: clinical testing. Allele origin: unknown.

Eurofins Ntd Llc (ga)
Classification: Benign. Last evaluated: 2018-02-05. Review status: criteria provided, single submitter. Criteria: EGL Classification Definitions 2015. Collection method: clinical testing. Allele origin: germline. Observed: 159 variant alleles, 34 heterozygotes, 125 homozygotes.

IntelligeneCG
Classification: Benign for Lynch syndrome 4. Last evaluated: 2017-08-18. Review status: criteria provided, single submitter. Criteria: ACMG Guidelines, 2015. Collection method: clinical testing. Allele origin: germline. Affected: no.

PreventionGenetics, part of Exact Sciences
Classification: Benign. Last evaluated: 2016-10-11. Review status: criteria provided, single submitter. Criteria: ACMG Guidelines, 2015. Collection method: clinical testing. Allele origin: germline.

Laboratory for Molecular Medicine, Mass General Brigham Personalized Medicine
Classification: Benign. Last evaluated: 2016-03-28. Review status: criteria provided, single submitter. Criteria: LMM Criteria. Collection method: clinical testing. Allele origin: germline. Observed: 2 variant alleles.
Comment: Disclaimer: This variant has not undergone full assessment. The following are pr eliminary notes: Frequency

ITMI
No classification provided. Condition: AllHighlyPenetrant. Last evaluated: 2013-09-19. Review status: no classification provided. Collection method: reference population. Allele origin: germline. Not counted in ClinVar's aggregate classification.
Comment: Please see associated publication for description of ethnicities

Clinical Genetics Laboratory, Department of Pathology, Netherlands Cancer Institute
Classification: Benign. Review status: no assertion criteria provided. Collection method: clinical testing. Allele origin: germline. Affected: yes. Study: VKGL Data-share Consensus. Not counted in ClinVar's aggregate classification.

Clinical Genetics, Academic Medical Center
Classification: Benign. Review status: no assertion criteria provided. Collection method: clinical testing. Allele origin: germline. Affected: yes. Study: VKGL Data-share Consensus. Not counted in ClinVar's aggregate classification.

Department of Pathology and Laboratory Medicine, Sinai Health System
Classification: Benign. Review status: no assertion criteria provided. Collection method: clinical testing. Allele origin: unknown. Affected: yes. Study: The Canadian Open Genetics Repository (COGR). Not counted in ClinVar's aggregate classification.

Diagnostic Laboratory, Department of Genetics, University Medical Center Groningen
Classification: Benign. Review status: no assertion criteria provided. Collection method: clinical testing. Allele origin: germline. Affected: yes. Study: VKGL Data-share Consensus. Not counted in ClinVar's aggregate classification.

Genome Diagnostics Laboratory, University Medical Center Utrecht
Classification: Benign. Review status: no assertion criteria provided. Collection method: clinical testing. Allele origin: germline. Affected: yes. Study: VKGL Data-share Consensus. Not counted in ClinVar's aggregate classification.

Mayo Clinic Laboratories, Mayo Clinic
Classification: Benign. Review status: no assertion criteria provided. Collection method: clinical testing. Allele origin: unknown. Not counted in ClinVar's aggregate classification.

Literature cited by the submitters: PubMed 24728327 (cited by ITMI).

NM_000535.7(PMS2):c.1621A>G (p.Lys541Glu)

Gene: PMS2 (PMS1 homolog 2, mismatch repair system component; minus strand). Cytogenetic location: 7p22.1.
Variant type: single nucleotide variant.
Coding change: c.1621A>G on transcript NM_000535.7 (MANE Select); coding-DNA position 1621, A replaced by G.
Protein change: p.Lys541Glu; replaces lysine 541 with glutamic acid.
Molecular consequence: missense variant. On other transcripts: non-coding transcript variant (1).
Genome position (GRCh38, 1-based): chr7:5,987,144, T>C on the plus strand (A>G on the coding strand, the complement: PMS2 is on the minus strand). VCF-style: chr7-5987144-T-C. GRCh37 (hg19) VCF-style: chr7-6026775-T-C.
Other names: c.1216A>G, p.Lys406Glu (NM_001322003.2, NM_001322004.2, NM_001322005.2 and 1 more transcripts); c.1465A>G, p.Lys489Glu (NM_001322006.2); c.1303A>G, p.Lys435Glu (NM_001322007.2, NM_001322008.2); c.1060A>G, p.Lys354Glu (NM_001322010.2); c.688A>G, p.Lys230Glu (NM_001322011.2, NM_001322012.2); c.1048A>G, p.Lys350Glu (NM_001322013.2); c.1621A>G, p.Lys541Glu (NM_001322014.2); c.1312A>G, p.Lys438Glu (NM_001322015.2); short protein forms K541E, K406E, K354E, K438E, K489E, K230E, K350E, K435E.
Identifiers: ClinVar variation 135065 (VCV000135065.35), dbSNP rs2228006, ClinGen allele CA044701.